The following is an entry in ClinVar:

ClinVar aggregate classification (germline): Uncertain significance (1 of 4 stars; one submission).

Conditions:
Charcot-Marie-Tooth disease type 4B3. Also called: Charcot-Marie-Tooth Neuropathy Type 4B3; CHARCOT-MARIE-TOOTH DISEASE, DEMYELINATING, TYPE 4B3. Identifiers: Orphanet 363981, MedGen C3695063, MONDO:0014117, OMIM 615284.

Submission:

Laboratorio de Genetica e Diagnostico Molecular, Hospital Israelita Albert Einstein
Classification: Uncertain significance for Charcot-Marie-Tooth disease type 4B3. Last evaluated: 2021-06-08. Review status: criteria provided, single submitter. Criteria: ACMG Guidelines, 2015. Collection method: clinical testing. Allele origin: germline. Affected: yes.
Comment: ACMG classification criteria: PM2 moderate, BP4 supporting

NM_002972.4(SBF1):c.1579G>A (p.Ala527Thr)

Gene: SBF1 (SET binding factor 1; minus strand). Cytogenetic location: 22q13.33.
Variant type: single nucleotide variant.
Coding change: c.1579G>A on transcript NM_002972.4 (MANE Select); coding-DNA position 1579, G replaced by A.
Protein change: p.Ala527Thr; replaces alanine 527 with threonine.
Molecular consequence: missense variant.
Genome position (GRCh38, 1-based): chr22:50,464,591, C>T on the plus strand (G>A on the coding strand, the complement: SBF1 is on the minus strand). VCF-style: chr22-50464591-C-T. GRCh37 (hg19) VCF-style: chr22-50903020-C-T.
Other names: c.1582G>A, p.Ala528Thr (NM_001365819.1); short protein forms A527T, A528T.
Identifiers: ClinVar variation 1683600 (VCV001683600.2), dbSNP rs2067666245, ClinGen allele CA412217548.